The following is an entry in ClinVar:

NM_130466.4(UBE3B):c.2705G>T (p.Gly902Val)

Gene: UBE3B (ubiquitin protein ligase E3B; plus strand). Cytogenetic location: 12q24.11.
Variant type: single nucleotide variant.
Coding change: c.2705G>T on transcript NM_130466.4 (MANE Select); coding-DNA position 2705, G replaced by T.
Protein change: p.Gly902Val; replaces glycine 902 with valine.
Molecular consequence: missense variant.
Genome position (GRCh38, 1-based): chr12:109,529,967, G>T. VCF-style: chr12-109529967-G-T. GRCh37 (hg19) VCF-style: chr12-109967772-G-T.
Other names: c.2705G>T, p.Gly902Val (NM_183415.3); short protein forms G902V.
Identifiers: ClinVar variation 2908616 (VCV002908616.3), dbSNP rs2548575313, ClinGen allele CA386646960.

ClinVar aggregate classification (germline): Uncertain significance (1 of 4 stars; one submission).

Allele frequency attached by ClinVar (database versions not stated): gnomAD exomes below 0.00001.
gnomAD v4.1: 2 of 1,614,132 alleles (0.00012%); highest among the groups gnomAD compares: Non-Finnish European, 0.00017%; no homozygotes.

Submission:

Labcorp Genetics (formerly Invitae), Labcorp
Classification: Uncertain significance. Last evaluated: 2023-11-25. Review status: criteria provided, single submitter. Criteria: Invitae Variant Classification Sherloc (09022015). Collection method: clinical testing. Allele origin: germline.
Comment: This sequence change replaces glycine, which is neutral and non-polar, with valine, which is neutral and non-polar, at codon 902 of the UBE3B protein (p.Gly902Val). This variant is not present in population databases (gnomAD no frequency). This variant has not been reported in the literature in individuals affected with UBE3B-related conditions. Advanced modeling of protein sequence and biophysical properties (such as structural, functional, and spatial information, amino acid conservation, physicochemical variation, residue mobility, and thermodynamic stability) performed at Invitae indicates that this missense variant is expected to disrupt UBE3B protein function with a positive predictive value of 80%. In summary, the available evidence is currently insufficient to determine the role of this variant in disease. Therefore, it has been classified as a Variant of Uncertain Significance.